The following is an entry in ClinVar:

NC_000006.12:g.(?_78940693)_(78970888_?)del

Genes: IRAK1BP1 (interleukin 1 receptor associated kinase 1 binding protein 1; plus strand), PHIP (pleckstrin homology domain interacting protein; minus strand). Cytogenetic location: 6q14.1.
Variant type: Deletion.
Identifiers: ClinVar variation 646403 (VCV000646403.3).

ClinVar aggregate classification (germline): Uncertain significance (1 of 4 stars; one submission).

Submission:

Labcorp Genetics (formerly Invitae), Labcorp
Classification: Uncertain significance. Last evaluated: 2018-12-21. Review status: criteria provided, single submitter. Criteria: Invitae Variant Classification Sherloc (09022015). Collection method: clinical testing. Allele origin: germline.
Comment: This variant is a gross deletion of the genomic region encompassing exons 25-40 of the PHIP gene. The 5' boundary is likely confined to intron 24. The 3' end of this event is unknown as it extends through the termination codon beyond the assayed region for this gene and may encompass additional genes. While this deletion is not anticipated to result in nonsense mediated decay, it is expected to create a truncated protein product or disrupt mRNA translation. This variant has not been reported in the literature in individuals with PHIP-related conditions. In summary, the available evidence is currently insufficient to determine the role of this variant in disease. Therefore, it has been classified as a Variant of Uncertain Significance.